The following is an entry in ClinVar:

NM_017757.3(ZNF407):c.1414G>A (p.Asp472Asn)

Gene: ZNF407 (zinc finger protein 407; plus strand). Cytogenetic location: 18q22.3.
Variant type: single nucleotide variant.
Coding change: c.1414G>A on transcript NM_017757.3 (MANE Select); coding-DNA position 1414, G replaced by A.
Protein change: p.Asp472Asn; replaces aspartic acid 472 with asparagine.
Molecular consequence: missense variant.
Genome position (GRCh38, 1-based): chr18:74,632,433, G>A. VCF-style: chr18-74632433-G-A. GRCh37 (hg19) VCF-style: chr18-72344389-G-A.
Other names: c.1414G>A, p.Asp472Asn (NM_001146189.1, NM_001146190.1, NM_001384475.1); short protein forms D472N.
Identifiers: ClinVar variation 4829497 (VCV004829497.2).

ClinVar aggregate classification (germline): Conflicting classifications of pathogenicity. Review status: criteria provided, conflicting classifications (1 of 4 stars). 2 submissions from 2 submitters: Uncertain significance (1); Likely benign (1). Last evaluated 2025-12-15.

Conditions:
ZNF407-related disorder. Also called: ZNF407-related condition.

gnomAD v4.1: 471 of 1,614,006 alleles (0.029%); highest among the groups gnomAD compares: African/African-American, 0.54%; 4 homozygotes.

Submissions (2):

Ambry Genetics
Classification: Uncertain significance. Last evaluated: 2025-12-15. Review status: criteria provided, single submitter. Criteria: Ambry Variant Classification Scheme 2023. Collection method: clinical testing. Allele origin: germline.

PreventionGenetics, part of Exact Sciences
Classification: Likely benign for ZNF407-related condition. Last evaluated: 2025-07-02. Review status: criteria provided, single submitter. Criteria: ACMG Guidelines, 2015. Collection method: clinical testing. Allele origin: germline.
Comment: This variant is classified as likely benign based on ACMG/AMP sequence variant interpretation guidelines (Richards et al. 2015 PMID: 25741868, with internal and published modifications).